The following is an entry in ClinVar:

ClinVar aggregate classification (germline): Conflicting classifications of pathogenicity. Review status: criteria provided, conflicting classifications (1 of 4 stars). 4 submissions from 4 submitters: Uncertain significance (1); Likely benign (3). Last evaluated 2025-03-05.

Conditions:
Familial cancer of breast. Also called: BREAST CANCER, FAMILIAL; hereditary breast carcinoma; Hereditary breast cancer. Identifiers: Orphanet 227535, MedGen C0346153, MONDO:0016419, OMIM 114480. Disease mechanism: loss of function.
Ovarian cancer. Also called: OVARIAN CANCER, SOMATIC. Identifiers: Orphanet 213500, MedGen C1140680, MONDO:0008170, OMIM 167000.
Hereditary diffuse gastric adenocarcinoma (HDGC). Also called: DIFFUSE GASTRIC AND LOBULAR BREAST CANCER SYNDROME. Identifiers: Orphanet 26106, MedGen C1708349, MONDO:0007648, OMIM 137215.

Allele frequency attached by ClinVar (database versions not stated): gnomAD exomes below 0.00001; TOPMed below 0.00001.
gnomAD v4.1: 1 of 1,614,116 alleles (0.000062%); highest among the groups gnomAD compares: Non-Finnish European, 0.000085%; no homozygotes.

Submissions (4):

Labcorp Genetics (formerly Invitae), Labcorp
Classification: Likely benign for Hereditary diffuse gastric adenocarcinoma. Last evaluated: 2025-03-05. Review status: criteria provided, single submitter. Criteria: Invitae Variant Classification Sherloc (09022015). Collection method: clinical testing. Allele origin: germline.

European Reference Network on Genetic Tumour Risk Syndromes (ERN-GENTURIS), i3s - Instituto de Investigação e Inovação em Saúde, University of Porto
Classification: Uncertain significance for Hereditary diffuse gastric adenocarcinoma. Last evaluated: 2022-08-01. Review status: criteria provided, single submitter. Criteria: Lee et al. (Hum Mutat. 2018). Collection method: clinical testing. Allele origin: germline. Inheritance: Autosomal dominant inheritance. Affected: no. Study: ERN GENTURIS.
Comment: PM2 (PMID: 30311375)

Department of Pathology and Laboratory Medicine, Sinai Health System
Classification: Likely benign for Familial cancer of breast; Ovarian cancer. Last evaluated: 2019-10-08. Review status: criteria provided, single submitter. Criteria: ACMG Guidelines, 2015. Collection method: clinical testing. Allele origin: germline. Affected: yes.

GeneDx
Classification: Likely benign. Last evaluated: 2016-07-19. Review status: criteria provided, single submitter. Criteria: GeneDx Variant Classification (06012015). Collection method: clinical testing. Allele origin: germline. Affected: yes.
Comment: This variant is considered likely benign or benign based on one or more of the following criteria: it is a conservative change, it occurs at a poorly conserved position in the protein, it is predicted to be benign by multiple in silico algorithms, and/or has population frequency not consistent with disease.

Literature cited by the submitters: PubMed 36436516 (cited by European Reference Network on Genetic Tumour Risk Syndromes (ERN-GENTURIS), i3s - Instituto de Investigação e Inovação em Saúde, University of Porto).

NM_004360.5(CDH1):c.1565+13A>G

Gene: CDH1 (cadherin 1; plus strand). Cytogenetic location: 16q22.1.
Variant type: single nucleotide variant.
Coding change: c.1565+13A>G on transcript NM_004360.5 (MANE Select); 13 bases into the intron after coding-DNA position 1565, A replaced by G.
Molecular consequence: intron variant.
Genome position (GRCh38, 1-based): chr16:68,815,772, A>G. VCF-style: chr16-68815772-A-G. GRCh37 (hg19) VCF-style: chr16-68849675-A-G.
Other names: c.1565+13A>G (LRG_301t1, NM_004360.4); c.17+13A>G (NM_001317185.2); c.-255+13A>G (NM_001317186.2); c.1382+13A>G (NM_001317184.2).
Identifiers: ClinVar variation 388033 (VCV000388033.7), dbSNP rs1057522979, ClinGen allele CA16608246.